The following is an entry in ClinVar:

NM_000540.3(RYR1):c.8231+1G>A

Gene: RYR1 (ryanodine receptor 1; plus strand). Cytogenetic location: 19q13.2.
Variant type: single nucleotide variant.
Coding change: c.8231+1G>A on transcript NM_000540.3 (MANE Select); the canonical splice donor site of the intron after coding-DNA position 8231, G replaced by A.
Molecular consequence: splice donor variant.
Genome position (GRCh38, 1-based): chr19:38,504,912, G>A. VCF-style: chr19-38504912-G-A. GRCh37 (hg19) VCF-style: chr19-38995552-G-A.
Other names: c.8231+1G>A (NM_001042723.2).
Identifiers: ClinVar variation 224410 (VCV000224410.1), dbSNP rs869312737, ClinGen allele CA353460.

ClinVar aggregate classification (germline): Uncertain significance (1 of 4 stars; one submission).

Conditions:
Malignant hyperthermia, susceptibility to, 1 (MHS1). Also called: Malignant hyperthermia suceptibility 1; RYR1-Related Malignant Hyperthermia Susceptibility; Anesthesia related hyperthermia; Malignant hyperpyrexia; Fulminating hyperpyrexia; Pharmacogenic myopathy. Identifiers: Orphanet 423, MedGen C2930980, MONDO:0007783, OMIM 145600.

Allele frequency attached by ClinVar (database versions not stated): gnomAD exomes below 0.00001.
gnomAD v4.1: 1 of 1,614,180 alleles (0.000062%); highest among the groups gnomAD compares: Non-Finnish European, 0.000085%; no homozygotes.

Submission:

Biesecker Lab/Clinical Genomics Section, National Institutes of Health
Classification: Uncertain significance for Malignant hyperthermia, susceptibility to, 1. Last evaluated: 2013-07-01. Review status: criteria provided, single submitter. Criteria: Gonsalves et al. 2013. Collection method: research. Allele origin: unknown. Observed: 1 variant allele. Study: ClinSeq.
Comment: The study set was not selected for affection status in relation to any myopathy. Pathogenicity categories were based on literature curation. See Pubmed ID: 24195946 for details.